The following is an entry in ClinVar:

ClinVar aggregate classification (germline): Pathogenic/Likely pathogenic. Review status: criteria provided, multiple submitters, no conflicts (2 of 4 stars). 2 submissions from 2 submitters: Pathogenic (1); Likely pathogenic (1). Last evaluated 2025-10-02.

Conditions:
Glycogen storage disease, type II (IOPD). Also called: CARDIOMEGALIA GLYCOGENICA DIFFUSA; GLYCOGENOSIS, GENERALIZED, CARDIAC FORM; GSD II; Glucosidase acid-1,4-alpha deficiency; Pompe Disease; Glycogen storage disease type 2. Identifiers: Orphanet 365, MedGen C0017921, MONDO:0009290, OMIM 232300.

Submissions (2):

Labcorp Genetics (formerly Invitae), Labcorp
Classification: Pathogenic for Glycogen storage disease, type II. Last evaluated: 2025-10-02. Review status: criteria provided, single submitter. Criteria: Invitae Variant Classification Sherloc (09022015). Collection method: clinical testing. Allele origin: germline.
Comment: This sequence change creates a premature translational stop signal (p.Trp402*) in the GAA gene. It is expected to result in an absent or disrupted protein product. Loss-of-function variants in GAA are known to be pathogenic (PMID: 18425781, 22252923). This variant is not present in population databases (gnomAD no frequency). This variant has not been reported in the literature in individuals affected with GAA-related conditions. ClinVar contains an entry for this variant (Variation ID: 2675785). For these reasons, this variant has been classified as Pathogenic.

Baylor Genetics
Classification: Likely pathogenic for Glycogen storage disease, type II. Last evaluated: 2022-10-19. Review status: criteria provided, single submitter. Criteria: ACMG Guidelines, 2015. Collection method: clinical testing. Allele origin: unknown.

Literature cited by the submitters: PubMed 18425781 (cited by Labcorp Genetics (formerly Invitae), Labcorp); PubMed 22252923 (cited by Labcorp Genetics (formerly Invitae), Labcorp).

NM_000152.5(GAA):c.1205G>A (p.Trp402Ter)

Gene: GAA (alpha glucosidase; plus strand). Cytogenetic location: 17q25.3.
Variant type: single nucleotide variant.
Coding change: c.1205G>A on transcript NM_000152.5 (MANE Select); coding-DNA position 1205, G replaced by A.
Protein change: p.Trp402Ter; replaces tryptophan 402 with a stop codon.
Molecular consequence: nonsense.
Genome position (GRCh38, 1-based): chr17:80,108,707, G>A. VCF-style: chr17-80108707-G-A. GRCh37 (hg19) VCF-style: chr17-78082506-G-A.
Other names: c.1205G>A, p.Trp402Ter (NM_001079803.3, NM_001079804.3, NM_001406741.1 and 1 more transcripts); short protein forms W402*.
Identifiers: ClinVar variation 2675785 (VCV002675785.2), dbSNP rs2510364501, ClinGen allele CA401365175.